The following is an entry in ClinVar:

NM_001130823.3(DNMT1):c.3261C>T (p.Cys1087=)

Gene: DNMT1 (DNA methyltransferase 1; minus strand). Cytogenetic location: 19p13.2.
Variant type: single nucleotide variant.
Coding change: c.3261C>T on transcript NM_001130823.3 (MANE Select); coding-DNA position 3261, C replaced by T.
Protein change: p.Cys1087=; no amino-acid change (cysteine 1087 retained).
Molecular consequence: synonymous variant.
Genome position (GRCh38, 1-based): chr19:10,142,076, G>A on the plus strand (C>T on the coding strand, the complement: DNMT1 is on the minus strand). VCF-style: chr19-10142076-G-A. GRCh37 (hg19) VCF-style: chr19-10252752-G-A.
Other names: p.Cys1087=; c.3213C>T, p.Cys1071= (NM_001318730.2, NM_001379.4); c.2898C>T, p.Cys966= (NM_001318731.2); c.3261C>T (NM_001130823.2).
Identifiers: ClinVar variation 717991 (VCV000717991.17), dbSNP rs374021326, ClinGen allele CA9187802.

ClinVar aggregate classification (germline): Conflicting classifications of pathogenicity. Review status: criteria provided, conflicting classifications (1 of 4 stars). 5 submissions from 5 submitters: Uncertain significance (1); Likely benign (4). Last evaluated 2026-06-22.

Conditions:
DNMT1-related disorder. Also called: DNMT1-related condition. Identifiers: MedGen CN381527.
Hereditary sensory neuropathy-deafness-dementia syndrome. Also called: NEUROPATHY, HEREDITARY SENSORY, WITH HEARING LOSS AND DEMENTIA; Hereditary Sensory and Autonomic Neuropathy Type 1E (HSAN1E); HSN IE; Hereditary sensory neuropathy type IE. Identifiers: Orphanet 456318, MedGen C3279885, MONDO:0013584, OMIM 614116.

Allele frequency attached by ClinVar (database versions not stated): ExAC 0.00004; TOPMed 0.00004; gnomAD exomes 0.00005 and 0.00006; gnomAD 0.00007; ESP Exome Variant Server 0.00008.
gnomAD v4.1: 74 of 1,610,622 alleles (0.0046%); highest among the groups gnomAD compares: East Asian, 0.011%; 1 homozygote.

Submissions (5):

PreventionGenetics, part of Exact Sciences
Classification: Likely benign for DNMT1-related condition. Last evaluated: 2026-06-22. Review status: criteria provided, single submitter. Criteria: ACMG Guidelines, 2015. Collection method: clinical testing. Allele origin: germline.
Comment: This variant is classified as likely benign based on ACMG/AMP sequence variant interpretation guidelines (Richards et al. 2015 PMID: 25741868, with internal and published modifications).

Labcorp Genetics (formerly Invitae), Labcorp
Classification: Likely benign for Hereditary sensory neuropathy-deafness-dementia syndrome. Last evaluated: 2026-01-21. Review status: criteria provided, single submitter. Criteria: Invitae Variant Classification Sherloc (09022015). Collection method: clinical testing. Allele origin: germline.

Mayo Clinic Laboratories, Mayo Clinic
Classification: Likely benign. Last evaluated: 2025-08-07. Review status: criteria provided, single submitter. Criteria: ACMG Guidelines, 2015. Collection method: clinical testing. Allele origin: germline. Observed: 1 variant allele.
Comment: BP4, BP7

GeneDx
Classification: Uncertain significance. Last evaluated: 2025-05-30. Review status: criteria provided, single submitter. Criteria: GeneDx Variant Classification Process June 2021. Collection method: clinical testing. Allele origin: germline. Affected: yes.
Comment: In silico analysis is inconclusive as to whether the variant alters gene splicing. In the absence of RNA/functional studies, the actual effect of this sequence change is unknown.; Has not been previously published as pathogenic or benign to our knowledge

Blueprint Genetics
Classification: Likely benign. Last evaluated: 2022-11-14. Review status: criteria provided, single submitter. Criteria: ACMG Guidelines, 2015. Collection method: clinical testing. Allele origin: germline.